The following is an entry in ClinVar:

ClinVar aggregate classification (germline): Uncertain significance (1 of 4 stars; one submission).

Submission:

Labcorp Genetics (formerly Invitae), Labcorp
Classification: Uncertain significance. Last evaluated: 2022-11-07. Review status: criteria provided, single submitter. Criteria: Invitae Variant Classification Sherloc (09022015). Collection method: clinical testing. Allele origin: germline.
Comment: This variant is not present in population databases (gnomAD no frequency). This variant has not been reported in the literature in individuals affected with KANK1-related conditions. Advanced modeling of protein sequence and biophysical properties (such as structural, functional, and spatial information, amino acid conservation, physicochemical variation, residue mobility, and thermodynamic stability) performed at Invitae indicates that this missense variant is expected to disrupt KANK1 protein function. In summary, the available evidence is currently insufficient to determine the role of this variant in disease. Therefore, it has been classified as a Variant of Uncertain Significance. This sequence change replaces glycine, which is neutral and non-polar, with cysteine, which is neutral and slightly polar, at codon 404 of the KANK1 protein (p.Gly404Cys).

NM_015158.5(KANK1):c.1210G>T (p.Gly404Cys)

Gene: KANK1 (KN motif and ankyrin repeat domains 1; plus strand). Cytogenetic location: 9p24.3.
Variant type: single nucleotide variant.
Coding change: c.1210G>T on transcript NM_015158.5 (MANE Select); coding-DNA position 1210, G replaced by T.
Protein change: p.Gly404Cys; replaces glycine 404 with cysteine.
Molecular consequence: missense variant. On other transcripts: non-coding transcript variant (1).
Genome position (GRCh38, 1-based): chr9:711,976, G>T. VCF-style: chr9-711976-G-T. GRCh37 (hg19) VCF-style: chr9-711976-G-T.
Other names: c.1210G>T, p.Gly404Cys (NM_001256876.3, NM_001256877.3, NM_001354331.2 and 2 more transcripts); c.736G>T, p.Gly246Cys (NM_001354333.2, NM_001354335.2, NM_001354336.2 and 9 more transcripts); short protein forms G246C, G404C.
Identifiers: ClinVar variation 2811073 (VCV002811073.3), dbSNP rs2539719004, ClinGen allele CA372747738.
Genomic context (GRCh38, chr9:711,976, plus strand): 5'-AGCAGCTGTGAGGCCTCCTCAGAGCTCAGGGAGAATGGAGAGTGCCGGTCTGTGGCTGTG[G>T]GTGCCGAGGAGAACATGAACGACATCGTCGTGTACCACAGAGGCTCCAGGTCCTGTAAGG-3'
Protein context (NP_055973.2, residues 394-414): ENGECRSVAV[Gly404Cys]AEENMNDIVV